The following is an entry in ClinVar:

ClinVar aggregate classification (germline): Uncertain significance (1 of 4 stars; one submission).

Conditions:
Genitopatellar syndrome (GTPTS). Also called: Genitopatellar syndrome (GPS); ABSENT PATELLAE, SCROTAL HYPOPLASIA, RENAL ANOMALIES, FACIAL DYSMORPHISM, AND MENTAL RETARDATION. Identifiers: Orphanet 85201, MedGen C1853566, MONDO:0011640, OMIM 606170.

Allele frequency attached by ClinVar (database versions not stated): gnomAD exomes 0.00001; TOPMed 0.00001; ExAC 0.00002.
gnomAD v4.1: 12 of 1,614,128 alleles (0.00074%); highest among the groups gnomAD compares: Admixed American, 0.0017%; no homozygotes.

Submission:

Labcorp Genetics (formerly Invitae), Labcorp
Classification: Uncertain significance for Genitopatellar syndrome. Last evaluated: 2024-07-06. Review status: criteria provided, single submitter. Criteria: Invitae Variant Classification Sherloc (09022015). Collection method: clinical testing. Allele origin: germline.
Comment: This sequence change replaces asparagine, which is neutral and polar, with serine, which is neutral and polar, at codon 978 of the KAT6B protein (p.Asn978Ser). This variant is present in population databases (rs778411790, gnomAD 0.02%). This variant has not been reported in the literature in individuals affected with KAT6B-related conditions. Advanced modeling of protein sequence and biophysical properties (such as structural, functional, and spatial information, amino acid conservation, physicochemical variation, residue mobility, and thermodynamic stability) performed at Invitae indicates that this missense variant is expected to disrupt KAT6B protein function with a positive predictive value of 80%. In summary, the available evidence is currently insufficient to determine the role of this variant in disease. Therefore, it has been classified as a Variant of Uncertain Significance.

NM_012330.4(KAT6B):c.2933A>G (p.Asn978Ser)

Gene: KAT6B (lysine acetyltransferase 6B; plus strand). Cytogenetic location: 10q22.2.
Variant type: single nucleotide variant.
Coding change: c.2933A>G on transcript NM_012330.4 (MANE Select); coding-DNA position 2933, A replaced by G.
Protein change: p.Asn978Ser; replaces asparagine 978 with serine.
Molecular consequence: missense variant.
Genome position (GRCh38, 1-based): chr10:75,021,197, A>G. VCF-style: chr10-75021197-A-G. GRCh37 (hg19) VCF-style: chr10-76780955-A-G.
Other names: c.2384A>G, p.Asn795Ser (NM_001256468.2, NM_001370138.1); c.2057A>G, p.Asn686Ser (NM_001256469.2, NM_001370139.1, NM_001370140.1 and 2 more transcripts); c.1895A>G, p.Asn632Ser (NM_001370132.1); c.1244A>G, p.Asn415Ser (NM_001370133.1); c.848A>G, p.Asn283Ser (NM_001370134.1); c.590A>G, p.Asn197Ser (NM_001370135.1); c.2933A>G, p.Asn978Ser (NM_001370136.1, NM_001370137.1); c.1868A>G, p.Asn623Ser (NM_001370143.1, NM_001370144.1); short protein forms N415S, N623S, N686S, N795S, N283S, N632S, N978S, N197S.
Identifiers: ClinVar variation 2781412 (VCV002781412.3), dbSNP rs778411790, ClinGen allele CA5564691.